The following is an entry in ClinVar:

ClinVar aggregate classification (germline): Likely pathogenic (1 of 4 stars; one submission).

Conditions:
Propionic acidemia (PROP). Also called: GLYCINEMIA, KETOTIC; HYPERGLYCINEMIA WITH KETOACIDOSIS AND LEUKOPENIA; KETOTIC HYPERGLYCINEMIA. Identifiers: Orphanet 35, MedGen C0268579, MONDO:0011628, OMIM 606054, HP:0003571.

Submission:

Natera, Inc.
Classification: Likely pathogenic for Propionic acidemia. Last evaluated: 2024-02-27. Review status: criteria provided, single submitter. Criteria: Natera Variant Classification Schema (03/2026). Collection method: clinical testing. Allele origin: germline.
Comment: The c.394dupA variant in PCCB is a frameshift variant predicted to shift the reading frame beginning at codon 132 and leads to a stop codon 29 codons downstream. This variant is expected to result in nonsense mediated decay, truncation, or a dysfunctional protein product. This variant is rare in the general population with a frequency below the threshold expected for the associated phenotype(s). Given the available evidence, this variant is classified as Likely Pathogenic.

NM_000532.5(PCCB):c.394dup (p.Ser132fs)

Gene: PCCB (propionyl-CoA carboxylase subunit beta; plus strand). Cytogenetic location: 3q22.3.
Variant type: Duplication.
Coding change: c.394dup on transcript NM_000532.5 (MANE Select); coding-DNA position 394, one base duplicated (A; older notation c.394dupA).
Protein change: p.Ser132fs; shifts the reading frame from serine 132.
Molecular consequence: frameshift variant.
Genome position (GRCh38, 1-based): chr3:136,260,500, A duplicated. VCF-style (leftmost placement, unchanged base first): chr3-136260499-C-CA. GRCh37 (hg19) VCF-style: chr3-135979341-C-CA.
Other names: c.454dup, p.Ser152fs (NM_001178014.2); short protein forms S132fs, S152fs.
Identifiers: ClinVar variation 4814330 (VCV004814330.1).